The following is an entry in ClinVar:

NM_015311.3(OBSL1):c.1535-3_1535-2del

Gene: OBSL1 (obscurin like cytoskeletal adaptor 1; minus strand). Cytogenetic location: 2q35.
Variant type: Deletion.
Coding change: c.1535-3_1535-2del on transcript NM_015311.3 (MANE Select); 3 bases into the intron before coding-DNA position 1535 through the canonical splice acceptor site of the intron before coding-DNA position 1535, 2 bases deleted (CA; older notation c.1535-3_1535-2delCA).
Molecular consequence: splice acceptor variant.
Genome position (GRCh38, 1-based): chr2:219,567,577-219,567,578, TG deleted on the plus strand (CA on the coding strand, the reverse complement: OBSL1 is on the minus strand). VCF-style (leftmost placement, unchanged base first): chr2-219567576-CTG-C. GRCh37 (hg19) VCF-style: chr2-220432298-CTG-C.
Other names: c.1535-3_1535-2del (NM_001173431.2, NM_001173408.2).
Identifiers: ClinVar variation 1486927 (VCV001486927.7), dbSNP rs1396471922, ClinGen allele CA764987457.

ClinVar aggregate classification (germline): Likely pathogenic. Review status: criteria provided, multiple submitters, no conflicts (2 of 4 stars). 2 submissions from 2 submitters: Likely pathogenic (2). Last evaluated 2024-05-20.

Conditions:
3M syndrome 2. Also called: THREE M SYNDROME 2; 3-M Syndrome, OBSL1-Related. Identifiers: Orphanet 2616, MedGen C2752041, MONDO:0013039, OMIM 612921.

Allele frequency attached by ClinVar (database versions not stated): gnomAD exomes below 0.00001; TOPMed below 0.00001; gnomAD 0.00001.

Submissions (2):

Fulgent Genetics
Classification: Likely pathogenic for 3M syndrome 2. Last evaluated: 2024-05-20. Review status: criteria provided, single submitter. Criteria: ACMG Guidelines, 2015. Collection method: clinical testing. Allele origin: germline.

Labcorp Genetics (formerly Invitae), Labcorp
Classification: Likely pathogenic. Last evaluated: 2021-08-10. Review status: criteria provided, single submitter. Criteria: Invitae Variant Classification Sherloc (09022015). Collection method: clinical testing. Allele origin: germline.
Comment: In summary, the currently available evidence indicates that the variant is pathogenic, but additional data are needed to prove that conclusively. Therefore, this variant has been classified as Likely Pathogenic. Algorithms developed to predict the effect of sequence changes on RNA splicing suggest that this variant may disrupt the consensus splice site. This variant has not been reported in the literature in individuals affected with OBSL1-related conditions. This variant is not present in population databases (ExAC no frequency). This sequence change affects a splice site in intron 3 of the OBSL1 gene. It is expected to disrupt RNA splicing. Variants that disrupt the donor or acceptor splice site typically lead to a loss of protein function (PMID: 16199547), and loss-of-function variants in OBSL1 are known to be pathogenic (PMID: 19481195, 19877176).

Literature cited by the submitters: PubMed 16199547 (cited by Labcorp Genetics (formerly Invitae), Labcorp); PubMed 19481195 (cited by Labcorp Genetics (formerly Invitae), Labcorp); PubMed 19877176 (cited by Labcorp Genetics (formerly Invitae), Labcorp).